The following is an entry in ClinVar:

NM_000136.3(FANCC):c.328C>T (p.Leu110Phe)

Gene: FANCC (FA complementation group C; minus strand). Cytogenetic location: 9q22.32.
Variant type: single nucleotide variant.
Coding change: c.328C>T on transcript NM_000136.3 (MANE Select); coding-DNA position 328, C replaced by T.
Protein change: p.Leu110Phe; replaces leucine 110 with phenylalanine.
Molecular consequence: missense variant.
Genome position (GRCh38, 1-based): chr9:95,240,666, G>A on the plus strand (C>T on the coding strand, the complement: FANCC is on the minus strand). VCF-style: chr9-95240666-G-A. GRCh37 (hg19) VCF-style: chr9-98002948-G-A.
Other names: c.328C>T, p.Leu110Phe (NM_001243743.2, NM_001243744.2); short protein forms L110F.
Identifiers: ClinVar variation 1729828 (VCV001729828.7), dbSNP rs1554856102, ClinGen allele CA374339217.
Genomic context (GRCh38, chr9:95,240,666, plus strand): 5'-CAATTTAATTCAAAGAAGTGCAGAGCAAGATTTACTCTCTTACCTGTATCCAGGAGTTAA[G>A]TTTTGATTGTCCAGAATTCTGTGGTTCTTTGTTAATTAGACAACATAAGCACCATATTAG-3'
Protein context (NP_000127.2, residues 100-120): KEPQNSGQSK[Leu110Phe]NSWIQGVLSH

ClinVar aggregate classification (germline): Uncertain significance. Review status: criteria provided, multiple submitters, no conflicts (2 of 4 stars). 2 submissions from 2 submitters: Uncertain significance (2). Last evaluated 2023-07-14.

Conditions:
Hereditary cancer-predisposing syndrome. Also called: Neoplastic Syndromes, Hereditary; Tumor predisposition; Hereditary Cancer Syndrome; Hereditary neoplastic syndrome. Identifiers: Orphanet 140162, MedGen C0027672, MeSH D009386, MONDO:0015356.
Fanconi anemia (FA). Also called: Fanconi's anemia. Identifiers: Orphanet 84, MedGen C0015625, MeSH D005199, MONDO:0019391.

Submissions (2):

Labcorp Genetics (formerly Invitae), Labcorp
Classification: Uncertain significance for Fanconi anemia. Last evaluated: 2023-07-14. Review status: criteria provided, single submitter. Criteria: Invitae Variant Classification Sherloc (09022015). Collection method: clinical testing. Allele origin: germline.
Comment: In summary, the available evidence is currently insufficient to determine the role of this variant in disease. Therefore, it has been classified as a Variant of Uncertain Significance. Advanced modeling of protein sequence and biophysical properties (such as structural, functional, and spatial information, amino acid conservation, physicochemical variation, residue mobility, and thermodynamic stability) performed at Invitae indicates that this missense variant is not expected to disrupt FANCC protein function. ClinVar contains an entry for this variant (Variation ID: 1729828). This variant has not been reported in the literature in individuals affected with FANCC-related conditions. This variant is not present in population databases (gnomAD no frequency). This sequence change replaces leucine, which is neutral and non-polar, with phenylalanine, which is neutral and non-polar, at codon 110 of the FANCC protein (p.Leu110Phe).

Ambry Genetics
Classification: Uncertain significance for Hereditary cancer-predisposing syndrome. Last evaluated: 2022-04-05. Review status: criteria provided, single submitter. Criteria: Ambry Variant Classification Scheme 2023. Collection method: clinical testing. Allele origin: germline.
Comment: The p.L110F variant (also known as c.328C>T), located in coding exon 3 of the FANCC gene, results from a C to T substitution at nucleotide position 328. The leucine at codon 110 is replaced by phenylalanine, an amino acid with highly similar properties. This amino acid position is conserved. In addition, this alteration is predicted to be tolerated by in silico analysis. Since supporting evidence is limited at this time, the clinical significance of this alteration remains unclear.